The following is an entry in ClinVar:

NM_173582.6(PGM2L1):c.1040_1041del (p.Gly347fs)

Gene: PGM2L1 (phosphoglucomutase 2 like 1; minus strand). Cytogenetic location: 11q13.4.
Variant type: Deletion.
Coding change: c.1040_1041del on transcript NM_173582.6 (MANE Select); coding-DNA positions 1040 to 1041, 2 bases deleted (GT; older notation c.1040_1041delGT).
Protein change: p.Gly347fs; shifts the reading frame from glycine 347.
Molecular consequence: frameshift variant.
Genome position (GRCh38, 1-based): chr11:74,345,646-74,345,647, AC deleted on the plus strand (GT on the coding strand, the reverse complement: PGM2L1 is on the minus strand). VCF-style (leftmost placement, unchanged base first): chr11-74345645-AAC-A. GRCh37 (hg19) VCF-style: chr11-74056690-AAC-A.
Other names: short protein forms G347fs.
Identifiers: ClinVar variation 2144201 (VCV002144201.1), dbSNP rs2495905933, ClinGen allele CA2574922922.

ClinVar aggregate classification (germline): Pathogenic (1 of 4 stars; one submission).

Allele frequency attached by ClinVar (database versions not stated): gnomAD exomes below 0.00001.

Submission:

Labcorp Genetics (formerly Invitae), Labcorp
Classification: Pathogenic. Last evaluated: 2022-07-18. Review status: criteria provided, single submitter. Criteria: Invitae Variant Classification Sherloc (09022015). Collection method: clinical testing. Allele origin: germline.
Comment: This sequence change creates a premature translational stop signal (p.Gly347Valfs*9) in the PGM2L1 gene. It is expected to result in an absent or disrupted protein product. Loss-of-function variants in PGM2L1 are known to be pathogenic (PMID: 33979636). This variant is not present in population databases (gnomAD no frequency). This variant has not been reported in the literature in individuals affected with PGM2L1-related conditions. For these reasons, this variant has been classified as Pathogenic.

Literature cited by the submitters: PubMed 33979636.